The following is an entry in ClinVar:

NM_017763.6(RNF43):c.1745T>C (p.Ile582Thr)

Gene: RNF43 (ring finger protein 43; minus strand). Cytogenetic location: 17q22.
Variant type: single nucleotide variant.
Coding change: c.1745T>C on transcript NM_017763.6 (MANE Select); coding-DNA position 1745, T replaced by C.
Protein change: p.Ile582Thr; replaces isoleucine 582 with threonine.
Molecular consequence: missense variant.
Genome position (GRCh38, 1-based): chr17:58,358,031, A>G on the plus strand (T>C on the coding strand, the complement: RNF43 is on the minus strand). VCF-style: chr17-58358031-A-G. GRCh37 (hg19) VCF-style: chr17-56435392-A-G.
Other names: c.1745T>C, p.Ile582Thr (NM_001305544.3, NM_001438820.1, NM_001438821.1 and 1 more transcripts); c.1364T>C, p.Ile455Thr (NM_001305545.2, NM_001437987.1); short protein forms I455T, I582T.
Identifiers: ClinVar variation 4863404 (VCV004863404.1).

ClinVar aggregate classification (germline): Uncertain significance (1 of 4 stars; one submission).

gnomAD v4.1: 3 of 1,590,710 alleles (0.00019%); highest among the groups gnomAD compares: South Asian, 0.0023%; no homozygotes.

Submission:

Ambry Genetics
Classification: Uncertain significance. Last evaluated: 2026-04-20. Review status: criteria provided, single submitter. Criteria: Ambry Variant Classification Scheme 2023. Collection method: clinical testing. Allele origin: germline.
Comment: The p.I582T variant (also known as c.1745T>C), located in coding exon 8 of the RNF43 gene, results from a T to C substitution at nucleotide position 1745. The isoleucine at codon 582 is replaced by threonine, an amino acid with similar properties. This amino acid position is conserved. In addition, this alteration is predicted to be tolerated by in silico analysis. Based on the available evidence, the clinical significance of this variant remains unclear.